The following is an entry in ClinVar:

ClinVar aggregate classification (germline): Uncertain significance (1 of 4 stars; one submission).

Conditions:
Inborn genetic diseases. Identifiers: MedGen C0950123, MeSH D030342.

Allele frequency attached by ClinVar (database versions not stated): gnomAD exomes below 0.00001.
gnomAD v4.1: 4 of 1,567,018 alleles (0.00026%); highest among the groups gnomAD compares: Non-Finnish European, 0.00035%; no homozygotes.

Submission:

Ambry Genetics
Classification: Uncertain significance for Inborn genetic diseases. Last evaluated: 2022-08-29. Review status: criteria provided, single submitter. Criteria: Ambry Variant Classification Scheme 2023. Collection method: clinical testing. Allele origin: germline.
Comment: The p.L20R variant (also known as c.59T>G), located in coding exon 1 of the GAN gene, results from a T to G substitution at nucleotide position 59. The leucine at codon 20 is replaced by arginine, an amino acid with dissimilar properties. This amino acid position is conserved. In addition, this alteration is predicted to be deleterious by in silico analysis. Since supporting evidence is limited at this time, the clinical significance of this alteration remains unclear.

NM_022041.4(GAN):c.59T>G (p.Leu20Arg)

Genes: GAN (gigaxonin; plus strand), LOC130059498 (ATAC-STARR-seq lymphoblastoid silent region 7753; plus strand). Cytogenetic location: 16q23.2.
Variant type: single nucleotide variant.
Coding change: c.59T>G on transcript NM_022041.4 (MANE Select); coding-DNA position 59, T replaced by G.
Protein change: p.Leu20Arg; replaces leucine 20 with arginine.
Molecular consequence: missense variant. On other transcripts: 5 prime UTR variant (1).
Genome position (GRCh38, 1-based): chr16:81,315,172, T>G. VCF-style: chr16-81315172-T-G. GRCh37 (hg19) VCF-style: chr16-81348777-T-G.
Other names: c.-466T>G (NM_001377486.1); short protein forms L20R.
Identifiers: ClinVar variation 1750972 (VCV001750972.2), dbSNP rs2507669157, ClinGen allele CA396854524.